The following is an entry in ClinVar:

ClinVar aggregate classification (germline): Uncertain significance (1 of 4 stars; one submission).

Conditions:
ACCES syndrome (ACCES). Also called: APLASIA CUTIS CONGENITA WITH ECTRODACTYLY SKELETAL SYNDROME. Identifiers: MedGen C5677019, MONDO:0859262, OMIM 619959.

Submission:

Juno Genomics, Hangzhou Juno Genomics, Inc
Classification: Uncertain significance for ACCES syndrome. Review status: criteria provided, single submitter. Criteria: ACMG Guidelines, 2015. Collection method: clinical testing. Allele origin: germline.
Comment: Absent from controls (or at extremely low frequency if recessive) in Genome Aggregation Database.;Missense variant in a gene that has a low rate of benign missense variation.

NM_005499.3(UBA2):c.1355T>G (p.Val452Gly)

Gene: UBA2 (ubiquitin like modifier activating enzyme 2; plus strand). Cytogenetic location: 19q13.11.
Variant type: single nucleotide variant.
Coding change: c.1355T>G on transcript NM_005499.3 (MANE Select); coding-DNA position 1355, T replaced by G.
Protein change: p.Val452Gly; replaces valine 452 with glycine.
Molecular consequence: missense variant.
Genome position (GRCh38, 1-based): chr19:34,458,878, T>G. VCF-style: chr19-34458878-T-G. GRCh37 (hg19) VCF-style: chr19-34949783-T-G.
Other names: c.1067T>G, p.Val356Gly (NM_001411139.1); short protein forms V452G, V356G.
Identifiers: ClinVar variation 5005962 (VCV005005962.2).
Genomic context (GRCh38, chr19:34,458,878, plus strand): 5'-GTGCACTGGATCCTCCCAACCCCAATTGTTATGTATGTGCCAGCAAGCCAGAGGTGACTG[T>G]GCGGCTGAATGTCCATAAAGTGACTGTTCTCACCTTACAAGACAAGGTCAGTGCAAGGCC-3'
Protein context (NP_005490.1, residues 442-462): YVCASKPEVT[Val452Gly]RLNVHKVTVL